The following is an entry in ClinVar:

NM_005559.4(LAMA1):c.7055A>G (p.Asp2352Gly)

Gene: LAMA1 (laminin subunit alpha 1; minus strand). Cytogenetic location: 18p11.31.
Variant type: single nucleotide variant.
Coding change: c.7055A>G on transcript NM_005559.4 (MANE Select); coding-DNA position 7055, A replaced by G.
Protein change: p.Asp2352Gly; replaces aspartic acid 2352 with glycine.
Molecular consequence: missense variant.
Genome position (GRCh38, 1-based): chr18:6,965,428, T>C on the plus strand (A>G on the coding strand, the complement: LAMA1 is on the minus strand). VCF-style: chr18-6965428-T-C. GRCh37 (hg19) VCF-style: chr18-6965427-T-C.
Other names: short protein forms D2352G.
Identifiers: ClinVar variation 5005905 (VCV005005905.2).
Genomic context (GRCh38, chr18:6,965,428, plus strand): 5'-CCTGAACCCAGGTCAGTCATAACCTTCACTCTGCCACGAAACAGCTCGATGGATAAAAAG[T>C]CTTTCTGTAAAAAAGAGAACACAGTTCCCCAGGTTATAGCTTTATCCCAGGTTTCCCTTT-3'
Protein context (NP_005550.2, residues 2342-2362): LLYLGSYGTK[Asp2352Gly]FLSIELFRGR

ClinVar aggregate classification (germline): Uncertain significance (1 of 4 stars; one submission).

Conditions:
Ataxia - intellectual disability - oculomotor apraxia - cerebellar cysts syndrome. Also called: Poretti-Boltshauser syndrome. Identifiers: Orphanet 370022, MedGen C4014821, MONDO:0014419, OMIM 615960.

gnomAD v4.1: 3 of 1,614,036 alleles (0.00019%); highest among the groups gnomAD compares: East Asian, 0.0067%; no homozygotes.

Submission:

Juno Genomics, Hangzhou Juno Genomics, Inc
Classification: Uncertain significance for Ataxia - intellectual disability - oculomotor apraxia - cerebellar cysts syndrome. Review status: criteria provided, single submitter. Criteria: ACMG Guidelines, 2015. Collection method: clinical testing. Allele origin: germline.
Comment: Absent from controls (or at extremely low frequency if recessive) in Genome Aggregation Database.;Multiple lines of computational evidence support a deleterious effect on the gene or gene product.